The following is an entry in ClinVar:

ClinVar aggregate classification (germline): Likely benign. Review status: criteria provided, multiple submitters, no conflicts (2 of 4 stars). 2 submissions from 2 submitters: Likely benign (2). Last evaluated 2026-02-01.

Allele frequency attached by ClinVar (database versions not stated): ExAC 0.00004; gnomAD 0.00005; TOPMed 0.00005; gnomAD exomes 0.00006; ESP Exome Variant Server 0.00008.
gnomAD v4.1: 91 of 1,613,694 alleles (0.0056%); highest among the groups gnomAD compares: Middle Eastern, 0.082%; no homozygotes.

Submissions (2):

CeGaT Center for Human Genetics Tuebingen
Classification: Likely benign. Last evaluated: 2026-02-01. Review status: criteria provided, single submitter. Criteria: CeGaT Center For Human Genetics Tuebingen Variant Classification Criteria Version 2. Collection method: clinical testing. Allele origin: germline. Affected: yes. Observed: 1 variant allele.
Comment: FCSK: BP4, BP7

Labcorp Genetics (formerly Invitae), Labcorp
Classification: Likely benign. Last evaluated: 2024-11-29. Review status: criteria provided, single submitter. Criteria: Invitae Variant Classification Sherloc (09022015). Collection method: clinical testing. Allele origin: germline.

NM_145059.3(FCSK):c.252C>T (p.Val84=)

Gene: FCSK (fucose kinase; plus strand). Cytogenetic location: 16q22.1.
Variant type: single nucleotide variant.
Coding change: c.252C>T on transcript NM_145059.3 (MANE Select); coding-DNA position 252, C replaced by T.
Protein change: p.Val84=; no amino-acid change (valine 84 retained).
Molecular consequence: synonymous variant.
Genome position (GRCh38, 1-based): chr16:70,465,143, C>T. VCF-style: chr16-70465143-C-T. GRCh37 (hg19) VCF-style: chr16-70499046-C-T.
Identifiers: ClinVar variation 1899618 (VCV001899618.9), dbSNP rs371810233, ClinGen allele CA8142813.